The following is an entry in ClinVar:

NM_032898.5(CEP19):c.490T>G (p.Ter164Gly)

Gene: CEP19 (centrosomal protein 19; minus strand). Cytogenetic location: 3q29.
Variant type: single nucleotide variant.
Coding change: c.490T>G on transcript NM_032898.5 (MANE Select); coding-DNA position 490, T replaced by G.
Protein change: p.Ter164Gly.
Molecular consequence: stop lost.
Genome position (GRCh38, 1-based): chr3:196,707,553, A>C on the plus strand (T>G on the coding strand, the complement: CEP19 is on the minus strand). VCF-style: chr3-196707553-A-C. GRCh37 (hg19) VCF-style: chr3-196434424-A-C.
Other names: c.385T>G, p.Ter129Gly (NM_001379468.1); c.490T>G, p.Ter164Gly (NM_001379469.1, NM_001379470.1).
Identifiers: ClinVar variation 2009968 (VCV002009968.4), dbSNP rs2474227277, ClinGen allele CA355633880.

ClinVar aggregate classification (germline): Uncertain significance (1 of 4 stars; one submission).

Submission:

Labcorp Genetics (formerly Invitae), Labcorp
Classification: Uncertain significance. Last evaluated: 2022-11-08. Review status: criteria provided, single submitter. Criteria: Invitae Variant Classification Sherloc (09022015). Collection method: clinical testing. Allele origin: germline.
Comment: In summary, the available evidence is currently insufficient to determine the role of this variant in disease. Therefore, it has been classified as a Variant of Uncertain Significance. This variant has not been reported in the literature in individuals affected with CEP19-related conditions. This variant is not present in population databases (gnomAD no frequency). This sequence change disrupts the translational stop signal of the CEP19 mRNA. It is expected to extend the length of the CEP19 protein by 26 additional amino acid residues.